The following is an entry in ClinVar:

ClinVar aggregate classification (germline): Uncertain significance (1 of 4 stars; one submission).

Conditions:
NRP1-related disorder. Also called: NRP1-related condition.

Submission:

PreventionGenetics, part of Exact Sciences
Classification: Uncertain significance for NRP1-related condition. Last evaluated: 2025-05-29. Review status: criteria provided, single submitter. Criteria: ACMG Guidelines, 2015. Collection method: clinical testing. Allele origin: germline.
Comment: The NRP1 c.1148G>A variant is predicted to result in the amino acid substitution p.Gly383Glu. To our knowledge, this variant has not been reported in the literature or in a large population database (gnomAD), indicating this variant is rare. At this time, the clinical significance of this variant is uncertain due to the absence of conclusive functional and genetic evidence.

NM_003873.7(NRP1):c.1148G>A (p.Gly383Glu)

Gene: NRP1 (neuropilin 1; minus strand). Cytogenetic location: 10p11.22.
Variant type: single nucleotide variant.
Coding change: c.1148G>A on transcript NM_003873.7 (MANE Select); coding-DNA position 1148, G replaced by A.
Protein change: p.Gly383Glu; replaces glycine 383 with glutamic acid.
Molecular consequence: missense variant. On other transcripts: non-coding transcript variant (1).
Genome position (GRCh38, 1-based): chr10:33,221,853, C>T on the plus strand (G>A on the coding strand, the complement: NRP1 is on the minus strand). VCF-style: chr10-33221853-C-T. GRCh37 (hg19) VCF-style: chr10-33510781-C-T.
Other names: c.1148G>A, p.Gly383Glu (NM_001024628.3, NM_001024629.3, NM_001244972.2 and 2 more transcripts); short protein forms G383E.
Identifiers: ClinVar variation 4997262 (VCV004997262.1).
Genomic context (GRCh38, chr10:33,221,853, plus strand): 5'-AATCGAGTTATCAGTGGTTTGGGGAATACTGCAACCACAACATCTGTGGGGTTGGTGTTT[C>T]CCTGAAAGAGCTGTATGGGGAAAAAAAGTGCCTTTCTTTAGCAGAGGTTTTGGATTTAAA-3'
Protein context (NP_003864.5, residues 373-393): KEGNKPVLFQ[Gly383Glu]NTNPTDVVVA